The following is an entry in ClinVar:

NM_000426.4(LAMA2):c.4837G>T (p.Glu1613Ter)

Gene: LAMA2 (laminin subunit alpha 2; plus strand). Cytogenetic location: 6q22.33.
Variant type: single nucleotide variant.
Coding change: c.4837G>T on transcript NM_000426.4 (MANE Select); coding-DNA position 4837, G replaced by T.
Protein change: p.Glu1613Ter; replaces glutamic acid 1613 with a stop codon.
Molecular consequence: nonsense.
Genome position (GRCh38, 1-based): chr6:129,366,338, G>T. VCF-style: chr6-129366338-G-T. GRCh37 (hg19) VCF-style: chr6-129687483-G-T.
Other names: c.4837G>T, p.Glu1613Ter (NM_001079823.2); short protein forms E1613*.
Identifiers: ClinVar variation 984087 (VCV000984087.4), dbSNP rs1247084547, ClinGen allele CA365622955.

ClinVar aggregate classification (germline): Likely pathogenic (1 of 4 stars; one submission).

Conditions:
LAMA2-related muscular dystrophy (LAMA2-RD). Also called: Laminin alpha 2-related dystrophy. Identifiers: MedGen C5679788, MONDO:0100228.

Submission:

Myriad Genetics, Inc.
Classification: Likely pathogenic for LAMA2-related muscular dystrophy. Last evaluated: 2019-11-07. Review status: criteria provided, single submitter. Criteria: Myriad Autosomal Dominant, Autosomal Recessive and X-Linked Classification Criteria (2023). Collection method: clinical testing. Allele origin: unknown.
Comment: NM_000426.3(LAMA2):c.4837G>T(E1613*) is expected to be pathogenic in the context of LAMA2-related muscular dystrophy. This variant is predicted to lead to an abnormal or absent protein product due to the creation of a premature termination codon in LAMA2, a gene where loss-of-function variants are known to be pathogenic. Please note: this variant was assessed in the context of healthy population screening.